The following is an entry in ClinVar:

ClinVar aggregate classification (germline): Likely benign (0 of 4 stars; one submission).

Conditions:
PDE11A-related disorder. Also called: PDE11A-related condition.

Allele frequency attached by ClinVar (database versions not stated): gnomAD exomes below 0.00001.
gnomAD v4.1: 4 of 1,598,814 alleles (0.00025%); highest among the groups gnomAD compares: South Asian, 0.0044%; no homozygotes.

Submission:

PreventionGenetics, part of Exact Sciences
Classification: Likely benign for PDE11A-related condition. Last evaluated: 2019-04-05. Review status: no assertion criteria provided. Collection method: clinical testing. Allele origin: germline.
Comment: This variant is classified as likely benign based on ACMG/AMP sequence variant interpretation guidelines (Richards et al. 2015 PMID: 25741868, with internal and published modifications).

NM_016953.4(PDE11A):c.1716C>G (p.Ala572=)

Gene: PDE11A (phosphodiesterase 11A; minus strand). Cytogenetic location: 2q31.2.
Variant type: single nucleotide variant.
Coding change: c.1716C>G on transcript NM_016953.4 (MANE Select); coding-DNA position 1716, C replaced by G.
Protein change: p.Ala572=; no amino-acid change (alanine 572 retained).
Molecular consequence: synonymous variant.
Genome position (GRCh38, 1-based): chr2:177,816,850, G>C on the plus strand (C>G on the coding strand, the complement: PDE11A is on the minus strand). VCF-style: chr2-177816850-G-C. GRCh37 (hg19) VCF-style: chr2-178681577-G-C.
Other names: c.384C>G, p.Ala128= (NM_001077196.2); c.966C>G, p.Ala322= (NM_001077197.2); c.642C>G, p.Ala214= (NM_001077358.2).
Identifiers: ClinVar variation 3058095 (VCV003058095.2), dbSNP rs1204600532, ClinGen allele CA430199575.